The following is an entry in ClinVar:

ClinVar aggregate classification (germline): Uncertain significance. Review status: criteria provided, multiple submitters, no conflicts (2 of 4 stars). 2 submissions from 2 submitters: Uncertain significance (2). Last evaluated 2025-09-22.

Conditions:
Saldino-Mainzer syndrome (SRTD9). Also called: CONORENAL SYNDROME; Renal dysplasia, retinal pigmentary dystrophy, cerebellar ataxia and skeletal dysplasia; SHORT-RIB THORACIC DYSPLASIA 9 WITHOUT POLYDACTYLY; short-rib thoracic dysplasia 9 with or without polydactyly. Identifiers: Orphanet 140969, MedGen C1849437, MONDO:0009964, OMIM 266920.

gnomAD v4.1: 2 of 1,613,968 alleles (0.00012%); highest among the groups gnomAD compares: Non-Finnish European, 0.00017%; no homozygotes.

Submissions (2):

Labcorp Genetics (formerly Invitae), Labcorp
Classification: Uncertain significance for Saldino-Mainzer syndrome. Last evaluated: 2025-09-22. Review status: criteria provided, single submitter. Criteria: Invitae Variant Classification Sherloc (09022015). Collection method: clinical testing. Allele origin: germline.
Comment: This sequence change replaces proline, which is neutral and non-polar, with leucine, which is neutral and non-polar, at codon 1353 of the IFT140 protein (p.Pro1353Leu). This variant is present in population databases (rs146666187, gnomAD 0.0009%). This variant has not been reported in the literature in individuals affected with IFT140-related conditions. Invitae Evidence Modeling of protein sequence and biophysical properties (such as structural, functional, and spatial information, amino acid conservation, physicochemical variation, residue mobility, and thermodynamic stability) indicates that this missense variant is not expected to disrupt IFT140 protein function with a negative predictive value of 95%. In summary, the available evidence is currently insufficient to determine the role of this variant in disease. Therefore, it has been classified as a Variant of Uncertain Significance.

Blueprint Genetics
Classification: Uncertain significance. Last evaluated: 2021-10-22. Review status: criteria provided, single submitter. Criteria: ACMG Guidelines, 2015. Collection method: clinical testing. Allele origin: germline.

NM_014714.4(IFT140):c.4058C>T (p.Pro1353Leu)

Gene: IFT140 (intraflagellar transport 140; minus strand). Cytogenetic location: 16p13.3.
Variant type: single nucleotide variant.
Coding change: c.4058C>T on transcript NM_014714.4 (MANE Select); coding-DNA position 4058, C replaced by T.
Protein change: p.Pro1353Leu; replaces proline 1353 with leucine.
Molecular consequence: missense variant.
Genome position (GRCh38, 1-based): chr16:1,518,340, G>A on the plus strand (C>T on the coding strand, the complement: IFT140 is on the minus strand). VCF-style: chr16-1518340-G-A. GRCh37 (hg19) VCF-style: chr16-1568341-G-A.
Other names: short protein forms P1353L.
Identifiers: ClinVar variation 4809914 (VCV004809914.2).
Genomic context (GRCh38, chr16:1,518,340, plus strand): 5'-ATGGTGCTGTCCAGGTCTGGTTCCTCCAGGAGCAGCTCACACTGCTTGATGGACTCCTTG[G>A]GGTCCTCTGTGTACGTCCTGCCGAGAGCAGAGATGAGGCCTGGGCCCCGAAGCCCTGAAC-3'
Protein context (NP_055529.2, residues 1343-1363): IQARRTYTED[Pro1353Leu]KESIKQCELL